The following is an entry in ClinVar:

ClinVar aggregate classification (germline): Uncertain significance. Review status: criteria provided, multiple submitters, no conflicts (2 of 4 stars). 2 submissions from 2 submitters: Uncertain significance (2). Last evaluated 2022-04-17.

Conditions:
Autosomal dominant nonsyndromic hearing loss 20. Identifiers: Orphanet 90635, MedGen C1858172, MONDO:0011480, OMIM 604717.
Baraitser-winter syndrome 2. Identifiers: Orphanet 2995, MedGen C3281235, MONDO:0013812, OMIM 614583.

Submissions (2):

Labcorp Genetics (formerly Invitae), Labcorp
Classification: Uncertain significance for Baraitser-winter syndrome 2; Autosomal dominant nonsyndromic hearing loss 20. Last evaluated: 2022-04-17. Review status: criteria provided, single submitter. Criteria: Invitae Variant Classification Sherloc (09022015). Collection method: clinical testing. Allele origin: germline.
Comment: This sequence change replaces leucine, which is neutral and non-polar, with valine, which is neutral and non-polar, at codon 94 of the ACTG1 protein (p.Leu94Val). This variant is not present in population databases (gnomAD no frequency). This variant has not been reported in the literature in individuals affected with ACTG1-related conditions. ClinVar contains an entry for this variant (Variation ID: 561708). Algorithms developed to predict the effect of missense changes on protein structure and function (SIFT, PolyPhen-2, Align-GVGD) all suggest that this variant is likely to be disruptive. In summary, the available evidence is currently insufficient to determine the role of this variant in disease. Therefore, it has been classified as a Variant of Uncertain Significance.

GeneDx
Classification: Uncertain significance. Last evaluated: 2017-12-12. Review status: criteria provided, single submitter. Criteria: GeneDx Variant Classification (06012015). Collection method: clinical testing. Allele origin: germline. Affected: yes.
Comment: The L94V variant has not been published as a pathogenic variant, nor has it been reported as a benign variant to our knowledge. The L94V variant is not observed in large population cohorts (Lek et al., 2016). The L94V variant is a conservative amino acid substitution, which is not likely to impact secondary protein structure as these residues share similar properties. Several in silico splice prediction models predict that L94V creates a cryptic donor site 84bp upstream of the natural splice site. This cryptic donor site may supplant the natural donor site and lead to abnormal gene splicing. However, in the absence of RNA/functional studies, the actual effect of this sequence change is unknown. Therefore, based on the currently available information, it is unclear whether this variant is a pathogenic variant or a rare benign variant.

NM_001614.5(ACTG1):c.280C>G (p.Leu94Val)

Gene: ACTG1 (actin gamma 1; minus strand). Cytogenetic location: 17q25.3.
Variant type: single nucleotide variant.
Coding change: c.280C>G on transcript NM_001614.5 (MANE Select); coding-DNA position 280, C replaced by G.
Protein change: p.Leu94Val; replaces leucine 94 with valine.
Molecular consequence: missense variant. On other transcripts: non-coding transcript variant (1).
Genome position (GRCh38, 1-based): chr17:81,511,986, G>C on the plus strand (C>G on the coding strand, the complement: ACTG1 is on the minus strand). VCF-style: chr17-81511986-G-C. GRCh37 (hg19) VCF-style: chr17-79479012-G-C.
Other names: c.280C>G, p.Leu94Val (NM_001199954.3); short protein forms L94V.
Identifiers: ClinVar variation 561708 (VCV000561708.5), dbSNP rs782388764, ClinGen allele CA8836290.